The following is an entry in ClinVar:

NM_004525.3(LRP2):c.3306C>A (p.Pro1102=)

Gene: LRP2 (LDL receptor related protein 2; minus strand). Cytogenetic location: 2q31.1.
Variant type: single nucleotide variant.
Coding change: c.3306C>A on transcript NM_004525.3 (MANE Select); coding-DNA position 3306, C replaced by A.
Protein change: p.Pro1102=; no amino-acid change (proline 1102 retained).
Molecular consequence: synonymous variant.
Genome position (GRCh38, 1-based): chr2:169,244,817, G>T on the plus strand (C>A on the coding strand, the complement: LRP2 is on the minus strand). VCF-style: chr2-169244817-G-T. GRCh37 (hg19) VCF-style: chr2-170101327-G-T.
Other names: c.3306C>A (NM_004525.2).
Identifiers: ClinVar variation 1614026 (VCV001614026.11), dbSNP rs200584347, ClinGen allele CA1955062.

ClinVar aggregate classification (germline): Likely benign. Review status: criteria provided, multiple submitters, no conflicts (2 of 4 stars). 3 submissions from 3 submitters: Likely benign (2). 1 of the submissions does not count toward it. Last evaluated 2025-11-06.

Conditions:
LRP2-related disorder. Also called: LRP2-related condition.

Allele frequency attached by ClinVar (database versions not stated): ExAC 0.00001; gnomAD exomes 0.00001; TOPMed 0.00008; gnomAD 0.00009; 1000 Genomes Project 30x 0.00016; 1000 Genomes Project 0.00020.
gnomAD v4.1: 25 of 1,614,250 alleles (0.0015%); highest among the groups gnomAD compares: African/African-American, 0.029%; no homozygotes.

Submissions (3):

Labcorp Genetics (formerly Invitae), Labcorp
Classification: Likely benign. Last evaluated: 2025-11-06. Review status: criteria provided, single submitter. Criteria: Invitae Variant Classification Sherloc (09022015). Collection method: clinical testing. Allele origin: germline.

Blueprint Genetics
Classification: Likely benign. Last evaluated: 2020-04-20. Review status: criteria provided, single submitter. Criteria: ACMG Guidelines, 2015. Collection method: clinical testing. Allele origin: germline.

PreventionGenetics, part of Exact Sciences
Classification: Likely benign for LRP2-related condition. Last evaluated: 2023-01-18. Review status: no assertion criteria provided. Collection method: clinical testing. Allele origin: germline. Not counted in ClinVar's aggregate classification.
Comment: This variant is classified as likely benign based on ACMG/AMP sequence variant interpretation guidelines (Richards et al. 2015 PMID: 25741868, with internal and published modifications).